The following is an entry in ClinVar:

ClinVar aggregate classification (germline): Conflicting classifications of pathogenicity. Review status: criteria provided, conflicting classifications (1 of 4 stars). 5 submissions from 5 submitters: Uncertain significance (4); Likely benign (1). Last evaluated 2025-04-18.

Conditions:
Autosomal recessive nonsyndromic hearing loss 3. Also called: NEUROSENSORY NONSYNDROMIC RECESSIVE DEAFNESS 3. Identifiers: Orphanet 90636, MedGen C1838263, MONDO:0010860, OMIM 600316.

Allele frequency attached by ClinVar (database versions not stated): gnomAD 0.00004 and 0.00010; gnomAD exomes 0.00004 and 0.00010; ESP Exome Variant Server 0.00008; TOPMed 0.00010; ExAC 0.00012; 1000 Genomes Project 0.00040; 1000 Genomes Project 30x 0.00047.
gnomAD v4.1: 102 of 1,614,068 alleles (0.0063%); highest among the groups gnomAD compares: South Asian, 0.049%; 2 homozygotes.

Submissions (5):

GeneDx
Classification: Uncertain significance. Last evaluated: 2025-04-18. Review status: criteria provided, single submitter. Criteria: GeneDx Variant Classification Process June 2021. Collection method: clinical testing. Allele origin: germline. Affected: yes.
Comment: In silico analysis supports that this missense variant has a deleterious effect on protein structure/function; Identified in patients with hearing loss and a second variant (phase unknown) in published literature (PMID: 30733538); This variant is associated with the following publications: (PMID: 30733538)

Labcorp Genetics (formerly Invitae), Labcorp
Classification: Likely benign. Last evaluated: 2025-02-13. Review status: criteria provided, single submitter. Criteria: Invitae Variant Classification Sherloc (09022015). Collection method: clinical testing. Allele origin: germline.

Blueprint Genetics
Classification: Uncertain significance. Last evaluated: 2024-09-18. Review status: criteria provided, single submitter. Criteria: ACMG Guidelines, 2015. Collection method: clinical testing. Allele origin: germline.

Fulgent Genetics
Classification: Uncertain significance for Autosomal recessive nonsyndromic hearing loss 3. Last evaluated: 2021-10-12. Review status: criteria provided, single submitter. Criteria: ACMG Guidelines, 2015. Collection method: clinical testing. Allele origin: unknown.

Illumina Laboratory Services, Illumina
Classification: Uncertain significance for Autosomal recessive nonsyndromic hearing loss 3. Last evaluated: 2018-01-13. Review status: criteria provided, single submitter. Criteria: ICSL Variant Classification Criteria 13 December 2019. Collection method: clinical testing. Allele origin: germline.

NM_016239.4(MYO15A):c.5603G>A (p.Arg1868His)

Gene: MYO15A (myosin XVA; plus strand). Cytogenetic location: 17p11.2.
Variant type: single nucleotide variant.
Coding change: c.5603G>A on transcript NM_016239.4 (MANE Select); coding-DNA position 5603, G replaced by A.
Protein change: p.Arg1868His; replaces arginine 1868 with histidine.
Molecular consequence: missense variant.
Genome position (GRCh38, 1-based): chr17:18,141,724, G>A. VCF-style: chr17-18141724-G-A. GRCh37 (hg19) VCF-style: chr17-18045038-G-A.
Other names: short protein forms R1868H.
Identifiers: ClinVar variation 322150 (VCV000322150.14), dbSNP rs374249526, ClinGen allele CA8424337.
Genomic context (GRCh38, chr17:18,141,724, plus strand): 5'-TAGTGGCCCTCAAGCATGACCTGCCGGCTAATGGGGACATGTGTGTGTCAGTGCTGAGTC[G>A]CCTGTGCAAAGTCATGCCAAACATGTACCGTGTTGGGGTCAGCAAGGTGAGTCCTGCCCG-3'
Protein context (NP_057323.3, residues 1858-1878): NGDMCVSVLS[Arg1868His]LCKVMPNMYR